The following is an entry in ClinVar:

ClinVar aggregate classification (germline): Conflicting classifications of pathogenicity. Review status: criteria provided, conflicting classifications (1 of 4 stars). 10 submissions from 10 submitters: Uncertain significance (8); Likely benign (2). Last evaluated 2025-12-29.

Conditions:
Hereditary cancer-predisposing syndrome. Also called: Tumor predisposition; Hereditary Cancer Syndrome; Hereditary neoplastic syndrome; Neoplastic Syndromes, Hereditary. Identifiers: Orphanet 140162, MedGen C0027672, MeSH D009386, MONDO:0015356.
Hereditary diffuse gastric adenocarcinoma (HDGC). Also called: DIFFUSE GASTRIC AND LOBULAR BREAST CANCER SYNDROME. Identifiers: Orphanet 26106, MedGen C1708349, MONDO:0007648, OMIM 137215.
Breast cancer, susceptibility to. Identifiers: MedGen C3469522. Disease mechanism: gain of function.

Allele frequency attached by ClinVar (database versions not stated): gnomAD exomes 0.00001; ExAC 0.00002; TOPMed 0.00002; gnomAD 0.00004.
gnomAD v4.1: 11 of 1,614,036 alleles (0.00068%); highest among the groups gnomAD compares: South Asian, 0.0011%; no homozygotes.

Submissions (10):

Center for Genomic Medicine, Rigshospitalet, Copenhagen University Hospital
Classification: Uncertain significance. Last evaluated: 2025-12-29. Review status: criteria provided, single submitter. Criteria: ACMG Guidelines, 2015. Collection method: clinical testing. Allele origin: germline.
Comment: Classification criteria: BS2_Supporting

Clinical Genetics Laboratory, Skane University Hospital Lund
Classification: Uncertain significance for Breast cancer, susceptibility to. Last evaluated: 2025-07-23. Review status: criteria provided, single submitter. Criteria: ACMG Guidelines, 2015. Collection method: clinical testing. Allele origin: germline. Affected: yes.
Comment: Criteria applied: PM2_supporting

Labcorp Genetics (formerly Invitae), Labcorp
Classification: Uncertain significance for Hereditary diffuse gastric adenocarcinoma. Last evaluated: 2024-12-24. Review status: criteria provided, single submitter. Criteria: Invitae Variant Classification Sherloc (09022015). Collection method: clinical testing. Allele origin: germline.
Comment: This sequence change replaces asparagine, which is neutral and polar, with histidine, which is basic and polar, at codon 238 of the CDH1 protein (p.Asn238His). This variant is present in population databases (rs730881664, gnomAD 0.004%). This missense change has been observed in individual(s) with CDH1-related conditions (PMID: 36436516). ClinVar contains an entry for this variant (Variation ID: 182394). An algorithm developed to predict the effect of missense changes on protein structure and function (PolyPhen-2) suggests that this variant is likely to be disruptive. In summary, the available evidence is currently insufficient to determine the role of this variant in disease. Therefore, it has been classified as a Variant of Uncertain Significance.

Quest Diagnostics Nichols Institute San Juan Capistrano
Classification: Uncertain significance. Last evaluated: 2024-08-15. Review status: criteria provided, single submitter. Criteria: Quest Diagnostics criteria. Collection method: clinical testing. Allele origin: unknown.
Comment: The CDH1 c.712A>C (p.Asn238His) variant has been reported in the published literature in an individual with personal and family history of breast and ovarian cancer (PMID: 36436516 (2023)). Additionally, the variant was reported in reportedly healthy individuals (PMIDs: 33471991 (2021), see also LOVD). The frequency of this variant in the general population, 0.000039 (5/129148 chromosomes (Genome Aggregation Database)), is uninformative in the assessment of its pathogenicity. Analysis of this variant using bioinformatics tools for the prediction of the effect of amino acid changes on protein structure and function yielded conflicting predictions that this variant is benign or damaging. Based on the available information, we are unable to determine the clinical significance of this variant.

Color Diagnostics, LLC DBA Color Health
Classification: Uncertain significance for Hereditary cancer-predisposing syndrome. Last evaluated: 2024-05-23. Review status: criteria provided, single submitter. Criteria: ACMG Guidelines, 2015. Collection method: clinical testing. Allele origin: germline.
Comment: This missense variant replaces asparagine with histidine at codon 238 of the CDH1 protein. To our knowledge, functional studies have not been reported for this variant. This variant has not been reported in individuals affected with CDH1-related disorders in the literature. This variant has been identified in 5/282846 chromosomes in the general population by the Genome Aggregation Database (gnomAD). The available evidence is insufficient to determine the role of this variant in disease conclusively. Therefore, this variant is classified as a Variant of Uncertain Significance.

GeneDx
Classification: Uncertain significance. Last evaluated: 2024-01-10. Review status: criteria provided, single submitter. Criteria: GeneDx Variant Classification Process June 2021. Collection method: clinical testing. Allele origin: germline. Affected: yes.
Comment: Not observed at significant frequency in large population cohorts (gnomAD); In silico analysis supports that this missense variant has a deleterious effect on protein structure/function; This variant is associated with the following publications: (PMID: 33471991, 15235021, 22850631, 36436516)

European Reference Network on Genetic Tumour Risk Syndromes (ERN-GENTURIS), i3s - Instituto de Investigação e Inovação em Saúde, University of Porto
Classification: Uncertain significance for Hereditary diffuse gastric adenocarcinoma. Last evaluated: 2022-08-01. Review status: criteria provided, single submitter. Criteria: Lee et al. (Hum Mutat. 2018). Collection method: clinical testing. Allele origin: germline. Inheritance: Autosomal dominant inheritance. Affected: no. Study: ERN GENTURIS.
Comment: BS2_Supporting (PMID: 30311375)

Institute for Clinical Genetics, University Hospital TU Dresden, University Hospital TU Dresden
Classification: Uncertain significance. Last evaluated: 2021-11-03. Review status: criteria provided, single submitter. Criteria: ACMG Guidelines, 2015. Collection method: clinical testing. Allele origin: germline.

Ambry Genetics
Classification: Likely benign for Hereditary cancer-predisposing syndrome. Last evaluated: 2021-04-19. Review status: criteria provided, single submitter. Criteria: Ambry Variant Classification Scheme 2023. Collection method: clinical testing. Allele origin: germline.

Sema4
Classification: Likely benign for Hereditary cancer-predisposing syndrome. Last evaluated: 2021-03-01. Review status: criteria provided, single submitter. Criteria: Sema4 Curation Guidelines. Collection method: curation. Allele origin: germline.

Literature cited by the submitters: PubMed 36436516 (cited by 4 submitters); PubMed 33471991 (cited by Quest Diagnostics Nichols Institute San Juan Capistrano and Ambry Genetics).

NM_004360.5(CDH1):c.712A>C (p.Asn238His)

Gene: CDH1 (cadherin 1; plus strand). Cytogenetic location: 16q22.1.
Variant type: single nucleotide variant.
Coding change: c.712A>C on transcript NM_004360.5 (MANE Select); coding-DNA position 712, A replaced by C.
Protein change: p.Asn238His; replaces asparagine 238 with histidine.
Molecular consequence: missense variant. On other transcripts: 5 prime UTR variant (2).
Genome position (GRCh38, 1-based): chr16:68,810,221, A>C. VCF-style: chr16-68810221-A-C. GRCh37 (hg19) VCF-style: chr16-68844124-A-C.
Other names: p.N238H:AAC>CAC; c.712A>C (LRG_301t1); c.712A>C, p.Asn238His (NM_001317184.2); c.-904A>C (NM_001317185.2); c.-1108A>C (NM_001317186.2); short protein forms N238H.
Identifiers: ClinVar variation 182394 (VCV000182394.44), dbSNP rs730881664, ClinGen allele CA298977.